The following is an entry in ClinVar:

NM_004655.4(AXIN2):c.1445C>G (p.Pro482Arg)

Gene: AXIN2 (axin 2; minus strand). Cytogenetic location: 17q24.1.
Variant type: single nucleotide variant.
Coding change: c.1445C>G on transcript NM_004655.4 (MANE Select); coding-DNA position 1445, C replaced by G.
Protein change: p.Pro482Arg; replaces proline 482 with arginine.
Molecular consequence: missense variant.
Genome position (GRCh38, 1-based): chr17:65,537,591, G>C on the plus strand (C>G on the coding strand, the complement: AXIN2 is on the minus strand). VCF-style: chr17-65537591-G-C. GRCh37 (hg19) VCF-style: chr17-63533709-G-C.
Other names: c.1445C>G, p.Pro482Arg (NM_001363813.1); short protein forms P482R.
Identifiers: ClinVar variation 1772785 (VCV001772785.2), dbSNP rs758495825, ClinGen allele CA400677482.
Genomic context (GRCh38, chr17:65,537,591, plus strand): 5'-CCCCCGAGGAGGGGGCAGGCGCCCGGCGAGGCGGCCGCGGGAGGCAGCTTGCCACCGGGC[G>C]GGAGCAGGGAGTGGTACTGCGAATGGTGGTGGTGGTGGTGGTCCGGGGAGCGGGAGCGGG-3'
Protein context (NP_004646.3, residues 472-492): HHHSQYHSLL[Pro482Arg]PGGKLPPAAA

ClinVar aggregate classification (germline): Uncertain significance (1 of 4 stars; one submission).

Conditions:
Hereditary cancer-predisposing syndrome. Also called: Hereditary Cancer Syndrome; Hereditary neoplastic syndrome; Neoplastic Syndromes, Hereditary; Tumor predisposition. Identifiers: Orphanet 140162, MedGen C0027672, MeSH D009386, MONDO:0015356.

Submission:

Ambry Genetics
Classification: Uncertain significance for Hereditary cancer-predisposing syndrome. Last evaluated: 2021-08-09. Review status: criteria provided, single submitter. Criteria: Ambry Variant Classification Scheme 2023. Collection method: clinical testing. Allele origin: germline.
Comment: The p.P482R variant (also known as c.1445C>G), located in coding exon 5 of the AXIN2 gene, results from a C to G substitution at nucleotide position 1445. The proline at codon 482 is replaced by arginine, an amino acid with dissimilar properties. This amino acid position is conserved. In addition, this alteration is predicted to be tolerated by in silico analysis. Since supporting evidence is limited at this time, the clinical significance of this alteration remains unclear.